The following is an entry in ClinVar:

ClinVar aggregate classification (germline): Uncertain significance (1 of 4 stars; one submission).

Submission:

Labcorp Genetics (formerly Invitae), Labcorp
Classification: Uncertain significance. Last evaluated: 2025-12-19. Review status: criteria provided, single submitter. Criteria: Invitae Variant Classification Sherloc (09022015). Collection method: clinical testing. Allele origin: germline.
Comment: This sequence change falls in intron 12 of the TEK gene. It does not directly change the encoded amino acid sequence of the TEK protein. It affects a nucleotide within the consensus splice site. This variant is not present in population databases (gnomAD no frequency). This variant has not been reported in the literature in individuals affected with TEK-related conditions. Variants that disrupt the consensus splice site are a relatively common cause of aberrant splicing (PMID: 17576681, 9536098). Algorithms developed to predict the effect of sequence changes on RNA splicing suggest that this variant may disrupt the consensus splice site. In summary, the available evidence is currently insufficient to determine the role of this variant in disease. Therefore, it has been classified as a Variant of Uncertain Significance.

Literature cited by the submitters: PubMed 17576681; PubMed 9536098.

NM_000459.5(TEK):c.1909+5G>C

Gene: TEK (TEK receptor tyrosine kinase; plus strand). Cytogenetic location: 9p21.2.
Variant type: single nucleotide variant.
Coding change: c.1909+5G>C on transcript NM_000459.5 (MANE Select); 5 bases into the intron after coding-DNA position 1909, G replaced by C.
Molecular consequence: intron variant.
Genome position (GRCh38, 1-based): chr9:27,197,604, G>C. VCF-style: chr9-27197604-G-C. GRCh37 (hg19) VCF-style: chr9-27197602-G-C.
Other names: c.1780+5G>C (NM_001290077.2, NM_001375476.1); c.1468+5G>C (NM_001290078.2); c.1909+5G>C (NM_001375475.1).
Identifiers: ClinVar variation 4717004 (VCV004717004.1).